The following is an entry in ClinVar:

NM_001022.4(RPS19):c.16del (p.Thr5_Val6insTer)

Genes: RPS19 (ribosomal protein S19; plus strand), RPS19-CD79A (RPS19-CD79A readthrough; plus strand). Cytogenetic location: 19q13.2.
Variant type: Deletion.
Coding change: c.16del on transcript NM_001022.4 (MANE Select); coding-DNA position 16, one base deleted (G; older notation c.16delG).
Protein change: p.Thr5_Val6insTer.
Molecular consequence: nonsense.
Genome position (GRCh38, 1-based): chr19:41,860,790, G deleted. VCF-style (leftmost placement, unchanged base first): chr19-41860789-TG-T. GRCh37 (hg19) VCF-style: chr19-42364859-TG-T.
Other names: c.16del, p.Thr5_Val6insTer (NM_001321483.2, NM_001321484.2, NM_001321485.2).
Identifiers: ClinVar variation 940580 (VCV000940580.11), dbSNP rs2074020491, ClinGen allele CA1139666467.
Genomic context (GRCh38, chr19:41,860,789, plus strand): 5'-TCGTCTCTGCCAGGCCTGTGTTCACATGCTTGACTTTCTCCCTCAGATGCCTGGAGTTAC[TG>T]TAAAAGACGTGAACCAGCAGGAGTTCGTCAGAGCTCTGGCAGCCTTCCTCAAAAAGTGAG-3'

ClinVar aggregate classification (germline): Pathogenic/Likely pathogenic. Review status: criteria provided, multiple submitters, no conflicts (2 of 4 stars). 2 submissions from 2 submitters: Pathogenic (1); Likely pathogenic (1). Last evaluated 2026-04-12.

Conditions:
Diamond-Blackfan anemia. Also called: Blackfan Diamond syndrome; Aregenerative anemia chronic congenital; Red cell aplasia, pure hereditary; Congenital hypoplastic anemia; Aase syndrome. Identifiers: Orphanet 124, MedGen C1260899, MeSH D029503, MONDO:0015253, HP:0004810.

Submissions (2):

Cancer Bioinformatics and Tumour Evolution Laboratory, Monash University
Classification: Likely pathogenic for Diamond-Blackfan anemia. Last evaluated: 2026-04-12. Review status: criteria provided, single submitter. Criteria: ACMG Guidelines, 2015. Collection method: curation. Allele origin: germline. Inheritance: Autosomal dominant inheritance.
Comment: For these reasons this variant has been classified as Likely Pathogenic: This variant involves the deletion of a single nucleotide at c.16, predicted to substitute Valine at amino acid position 6 to a premature termination codon (PTC). This variant occurs within exon 2 of 6 within the transcript (exon 1 is non-coding). Alternative initiation sites should be considered with early PTC variants; the earliest in-frame Met is within exon 4. The impact of this variant is therefore expected to be either absent protein product or a severely impacted protein lacking the first two exons. All other isoforms of RPS19 share identical start codons and comparable exon 2-3 sequence. At least two upstream PTC variants have been reported as Pathogenic/Likely pathogenic in ClinVar, one of which (c.13dup) has previously been demonstrated to result in significantly reduced RPS19 mRNA levels (PMID: 15523650), suggesting no apparent initiation rescue in the presence of an early PTC. Loss of function variants in RPS19 are well-established to be pathogenic (PMID: 20960466) (PVS1). This variant is absent from population databases (gnomAD v4.1.1) (PM2_Supp). To our knowledge only one case has been published: an individual with a clinical diagnosis of DBA without further phenotypic information provided (PMID: 26136524).

Labcorp Genetics (formerly Invitae), Labcorp
Classification: Pathogenic for Diamond-Blackfan anemia. Last evaluated: 2019-10-11. Review status: criteria provided, single submitter. Criteria: Invitae Variant Classification Sherloc (09022015). Collection method: clinical testing. Allele origin: germline.
Comment: For these reasons, this variant has been classified as Pathogenic. Loss-of-function variants in RPS19 are known to be pathogenic (PMID: 20960466). This variant has been observed in an individual affected with Diamond-Blackfan anemia (PMID: 26136524). This variant is not present in population databases (ExAC no frequency). This sequence change creates a premature translational stop signal (p.Val6*) in the RPS19 gene. It is expected to result in an absent or disrupted protein product.

Literature cited by the submitters: PubMed 15523650 (cited by Cancer Bioinformatics and Tumour Evolution Laboratory, Monash University); PubMed 20960466 (cited by Cancer Bioinformatics and Tumour Evolution Laboratory, Monash University and Labcorp Genetics (formerly Invitae), Labcorp); PubMed 26136524 (cited by Cancer Bioinformatics and Tumour Evolution Laboratory, Monash University and Labcorp Genetics (formerly Invitae), Labcorp).